The following is an entry in ClinVar:

NM_145290.4(ADGRA3):c.817A>G (p.Met273Val)

Gene: ADGRA3 (adhesion G protein-coupled receptor A3; minus strand). Cytogenetic location: 4p15.2.
Variant type: single nucleotide variant.
Coding change: c.817A>G on transcript NM_145290.4 (MANE Select); coding-DNA position 817, A replaced by G.
Protein change: p.Met273Val; replaces methionine 273 with valine.
Molecular consequence: missense variant.
Genome position (GRCh38, 1-based): chr4:22,442,753, T>C on the plus strand (A>G on the coding strand, the complement: ADGRA3 is on the minus strand). VCF-style: chr4-22442753-T-C. GRCh37 (hg19) VCF-style: chr4-22444376-T-C.
Other names: short protein forms M273V.
Identifiers: ClinVar variation 1494510 (VCV001494510.6), dbSNP rs375429759, ClinGen allele CA2874128.
Genomic context (GRCh38, chr4:22,442,753, plus strand): 5'-AAATACCTTGCGATTCATCGGTTTCAACTATTCTCCCATCCTGATACCACAACACTTGCA[T>C]GTCCTGATCAATATATGAAGCCATGCACTGGAAAGGAAGGCTGTCTCCTTCAAACACAAC-3'
Protein context (NP_660333.2, residues 263-283): QCMASYIDQD[Met273Val]QVLWYQDGRI

ClinVar aggregate classification (germline): Uncertain significance (1 of 4 stars; one submission).

Allele frequency attached by ClinVar (database versions not stated): gnomAD 0.00001; gnomAD exomes 0.00001; ExAC 0.00002; TOPMed 0.00003; ESP Exome Variant Server 0.00008.
gnomAD v4.1: 11 of 1,612,110 alleles (0.00068%); highest among the groups gnomAD compares: Non-Finnish European, 0.00093%; no homozygotes.

Submission:

Labcorp Genetics (formerly Invitae), Labcorp
Classification: Uncertain significance. Last evaluated: 2021-11-09. Review status: criteria provided, single submitter. Criteria: Invitae Variant Classification Sherloc (09022015). Collection method: clinical testing. Allele origin: germline.
Comment: This sequence change replaces methionine, which is neutral and non-polar, with valine, which is neutral and non-polar, at codon 273 of the ADGRA3 protein (p.Met273Val). This variant is present in population databases (rs375429759, gnomAD 0.004%). This variant has not been reported in the literature in individuals affected with ADGRA3-related conditions. Algorithms developed to predict the effect of missense changes on protein structure and function are either unavailable or do not agree on the potential impact of this missense change (SIFT: "Tolerated"; PolyPhen-2: "Probably Damaging"; Align-GVGD: "Class C0"). In summary, the available evidence is currently insufficient to determine the role of this variant in disease. Therefore, it has been classified as a Variant of Uncertain Significance.